The following is an entry in ClinVar:

NM_000038.6(APC):c.4797A>C (p.Ser1599=)

Gene: APC (APC regulator of Wnt signaling pathway; plus strand). Cytogenetic location: 5q22.2.
Variant type: single nucleotide variant.
Coding change: c.4797A>C on transcript NM_000038.6 (MANE Select); coding-DNA position 4797, A replaced by C.
Protein change: p.Ser1599=; no amino-acid change (serine 1599 retained).
Molecular consequence: synonymous variant. On other transcripts: non-coding transcript variant (2).
Genome position (GRCh38, 1-based): chr5:112,840,391, A>C. VCF-style: chr5-112840391-A-C. GRCh37 (hg19) VCF-style: chr5-112176088-A-C.
Other names: c.4797A>C, p.Ser1599= (NM_001127510.3, NM_001354895.2, NM_001407450.1); c.4743A>C, p.Ser1581= (NM_001127511.3); c.4851A>C, p.Ser1617= (NM_001354896.2, NM_001407447.1, NM_001407448.1 and 1 more transcripts); c.4827A>C, p.Ser1609= (NM_001354897.2); c.4722A>C, p.Ser1574= (NM_001354898.2); c.4713A>C, p.Ser1571= (NM_001354899.2); c.4674A>C, p.Ser1558= (NM_001354900.2); c.4620A>C, p.Ser1540= (NM_001354901.2, NM_001407453.1); and 12 more.
Identifiers: ClinVar variation 3024036 (VCV003024036.6), dbSNP rs2149923978, ClinGen allele CA446208046.

ClinVar aggregate classification (germline): Benign/Likely benign. Review status: criteria provided, multiple submitters, no conflicts (2 of 4 stars). 4 submissions from 4 submitters: Benign (1); Likely benign (3). Last evaluated 2024-10-11.

Conditions:
Familial adenomatous polyposis 1 (FAP1). Also called: POLYPOSIS, ADENOMATOUS INTESTINAL; FAMILIAL ADENOMATOUS POLYPOSIS 1, ATTENUATED. Identifiers: MedGen C2713442, MONDO:0021056, OMIM 175100. Disease mechanism: loss of function.
Hereditary cancer-predisposing syndrome. Also called: Neoplastic Syndromes, Hereditary; Tumor predisposition; Hereditary Cancer Syndrome; Hereditary neoplastic syndrome. Identifiers: Orphanet 140162, MedGen C0027672, MeSH D009386, MONDO:0015356.

Allele frequency attached by ClinVar (database versions not stated): gnomAD exomes below 0.00001.
gnomAD v4.1: 1 of 1,614,230 alleles (0.000062%); highest among the groups gnomAD compares: Non-Finnish European, 0.000085%; no homozygotes.

Submissions (4):

Ambry Genetics
Classification: Likely benign for Hereditary cancer-predisposing syndrome. Last evaluated: 2024-10-11. Review status: criteria provided, single submitter. Criteria: Ambry Variant Classification Scheme 2023. Collection method: clinical testing. Allele origin: germline.

Blueprint Genetics
Classification: Likely benign. Last evaluated: 2024-10-07. Review status: criteria provided, single submitter. Criteria: ACMG Guidelines, 2015. Collection method: clinical testing. Allele origin: germline.

Myriad Genetics, Inc.
Classification: Benign for Familial adenomatous polyposis 1. Last evaluated: 2024-03-27. Review status: criteria provided, single submitter. Criteria: Myriad Autosomal Dominant, Autosomal Recessive and X-Linked Classification Criteria (2023). Collection method: clinical testing. Allele origin: unknown.
Comment: This variant is considered benign. This variant is a silent/synonymous amino acid change and it is not expected to impact splicing.

Labcorp Genetics (formerly Invitae), Labcorp
Classification: Likely benign for Familial adenomatous polyposis 1. Last evaluated: 2023-05-26. Review status: criteria provided, single submitter. Criteria: Invitae Variant Classification Sherloc (09022015). Collection method: clinical testing. Allele origin: germline.